The following is an entry in ClinVar:

ClinVar aggregate classification (germline): Uncertain significance (1 of 4 stars; one submission).

gnomAD v4.1: 3 of 1,614,136 alleles (0.00019%); highest among the groups gnomAD compares: African/African-American, 0.0013%; no homozygotes.

Submission:

Women's Health and Genetics/Laboratory Corporation of America, LabCorp
Classification: Uncertain significance. Last evaluated: 2025-04-21. Review status: criteria provided, single submitter. Criteria: LabCorp Variant Classification Summary - May 2015. Collection method: clinical testing. Allele origin: germline.
Comment: Variant summary: HPS4 c.1591C>T (p.Pro531Ser) results in a non-conservative amino acid change in the encoded protein sequence. Three of five in-silico tools predict a benign effect of the variant on protein function. The variant allele was found at a frequency of 4e-06 in 251452 control chromosomes. The available data on variant occurrences in the general population are insufficient to allow any conclusion about variant significance. To our knowledge, no occurrence of c.1591C>T in individuals affected with Hermansky-Pudlak Syndrome and no experimental evidence demonstrating its impact on protein function have been reported. No submitters have cited clinical-significance assessments for this variant to ClinVar. Based on the evidence outlined above, the variant was classified as uncertain significance.

NM_022081.6(HPS4):c.1591C>T (p.Pro531Ser)

Gene: HPS4 (HPS4 biogenesis of lysosomal organelles complex 3 subunit 2; minus strand). Cytogenetic location: 22q12.1.
Variant type: single nucleotide variant.
Coding change: c.1591C>T on transcript NM_022081.6 (MANE Select); coding-DNA position 1591, C replaced by T.
Protein change: p.Pro531Ser; replaces proline 531 with serine.
Molecular consequence: missense variant. On other transcripts: non-coding transcript variant (8).
Genome position (GRCh38, 1-based): chr22:26,464,039, G>A on the plus strand (C>T on the coding strand, the complement: HPS4 is on the minus strand). VCF-style: chr22-26464039-G-A. GRCh37 (hg19) VCF-style: chr22-26860005-G-A.
Other names: c.1591C>T, p.Pro531Ser (NM_001349896.1, NM_001349898.2, NM_001349899.2 and 5 more transcripts); c.1645C>T, p.Pro549Ser (NM_001349900.2, NM_001349901.1); c.1576C>T, p.Pro526Ser (NM_152841.2); short protein forms P526S, P531S, P549S.
Identifiers: ClinVar variation 3896157 (VCV003896157.2).